The following is an entry in ClinVar:

NM_001388492.1(HTT):c.3490G>T (p.Ala1164Ser)

Gene: HTT (huntingtin; plus strand). Cytogenetic location: 4p16.3.
Variant type: single nucleotide variant.
Coding change: c.3490G>T on transcript NM_001388492.1 (MANE Select); coding-DNA position 3490, G replaced by T.
Protein change: p.Ala1164Ser; replaces alanine 1164 with serine.
Molecular consequence: missense variant.
Genome position (GRCh38, 1-based): chr4:3,148,199, G>T. VCF-style: chr4-3148199-G-T. GRCh37 (hg19) VCF-style: chr4-3149926-G-T.
Other names: c.3496G>T, p.Ala1166Ser (NM_002111.8); short protein forms A1164S, A1166S.
Identifiers: ClinVar variation 1474066 (VCV001474066.6), dbSNP rs772789582, ClinGen allele CA91448721.

ClinVar aggregate classification (germline): Uncertain significance (1 of 4 stars; one submission).

Allele frequency attached by ClinVar (database versions not stated): gnomAD 0.00001.
gnomAD v4.1: 4 of 1,570,590 alleles (0.00025%); highest among the groups gnomAD compares: Admixed American, 0.0019%; no homozygotes.

Submission:

Labcorp Genetics (formerly Invitae), Labcorp
Classification: Uncertain significance. Last evaluated: 2021-05-17. Review status: criteria provided, single submitter. Criteria: Invitae Variant Classification Sherloc (09022015). Collection method: clinical testing. Allele origin: germline.
Comment: This sequence change replaces alanine with serine at codon 1166 of the HTT protein (p.Ala1166Ser). The alanine residue is moderately conserved and there is a moderate physicochemical difference between alanine and serine. This variant is not present in population databases (ExAC no frequency). This variant has not been reported in the literature in individuals with HTT-related conditions. Experimental studies and prediction algorithms are not available or were not evaluated, and the functional significance of this variant is currently unknown. In summary, the available evidence is currently insufficient to determine the role of this variant in disease. Therefore, it has been classified as a Variant of Uncertain Significance.